The following is an entry in ClinVar:

ClinVar aggregate classification (germline): Conflicting classifications of pathogenicity. Review status: criteria provided, conflicting classifications (1 of 4 stars). 5 submissions from 5 submitters: Uncertain significance (1); Likely benign (4). Last evaluated 2026-01-11.

Conditions:
Loeys-Dietz syndrome (LDS). Identifiers: Orphanet 60030, MedGen C2697932, MONDO:0018954.
Familial thoracic aortic aneurysm and aortic dissection (TAAD). Also called: Thoracic aortic aneurysms and dissections. Identifiers: Orphanet 91387, MedGen C4707243, MONDO:0019625.

Allele frequency attached by ClinVar (database versions not stated): ExAC 0.00001; gnomAD 0.00001; gnomAD exomes 0.00001 and 0.00003; TOPMed 0.00001; ESP Exome Variant Server 0.00008.
gnomAD v4.1: 38 of 1,613,938 alleles (0.0024%); highest among the groups gnomAD compares: Non-Finnish European, 0.0031%; no homozygotes.

Submissions (5):

Labcorp Genetics (formerly Invitae), Labcorp
Classification: Likely benign for Familial thoracic aortic aneurysm and aortic dissection. Last evaluated: 2026-01-11. Review status: criteria provided, single submitter. Criteria: Invitae Variant Classification Sherloc (09022015). Collection method: clinical testing. Allele origin: germline.

All of Us Research Program, National Institutes of Health
Classification: Likely benign for Loeys-Dietz syndrome. Last evaluated: 2024-02-05. Review status: criteria provided, single submitter. Criteria: ACMG Guidelines, 2015. Collection method: clinical testing. Allele origin: germline. Inheritance: Autosomal dominant inheritance. Observed: 6 variant alleles, 6 heterozygotes.
Comment: This study involves interpretation of variants in research participants for the purpose of population health screening. Participant phenotype was not available at the time of variant classification. Additional details can be found in publication PMID: 35346344, PMCID: PMC8962531

CHEO Genetics Diagnostic Laboratory, Children's Hospital of Eastern Ontario
Classification: Likely benign for Familial thoracic aortic aneurysm and aortic dissection. Last evaluated: 2019-08-27. Review status: criteria provided, single submitter. Criteria: ACMG Guidelines, 2015. Collection method: clinical testing. Allele origin: germline.

Color Diagnostics, LLC DBA Color Health
Classification: Likely benign for Familial thoracic aortic aneurysm and aortic dissection. Last evaluated: 2018-09-28. Review status: criteria provided, single submitter. Criteria: ACMG Guidelines, 2015. Collection method: clinical testing. Allele origin: germline.

Eurofins Ntd Llc (ga)
Classification: Uncertain significance. Last evaluated: 2016-10-14. Review status: criteria provided, single submitter. Criteria: EGL Classification Definitions 2015. Collection method: clinical testing. Allele origin: germline. Observed: 1 variant allele, 1 heterozygote.

NM_004612.4(TGFBR1):c.897G>A (p.Val299=)

Gene: TGFBR1 (transforming growth factor beta receptor 1; plus strand). Cytogenetic location: 9q22.33.
Variant type: single nucleotide variant.
Coding change: c.897G>A on transcript NM_004612.4 (MANE Select); coding-DNA position 897, G replaced by A.
Protein change: p.Val299=; no amino-acid change (valine 299 retained).
Molecular consequence: synonymous variant.
Genome position (GRCh38, 1-based): chr9:99,142,627, G>A. VCF-style: chr9-99142627-G-A. GRCh37 (hg19) VCF-style: chr9-101904909-G-A.
Other names: c.666G>A, p.Val222= (NM_001130916.3); c.909G>A, p.Val303= (NM_001306210.2).
Identifiers: ClinVar variation 497430 (VCV000497430.19), dbSNP rs369881419, ClinGen allele CA043306.